The following is an entry in ClinVar:

NM_004947.5(DOCK3):c.1766_1767del (p.Lys589fs)

Gene: DOCK3 (dedicator of cytokinesis 3; plus strand). Cytogenetic location: 3p21.2.
Variant type: Deletion.
Coding change: c.1766_1767del on transcript NM_004947.5 (MANE Select); coding-DNA positions 1766 to 1767, 2 bases deleted (AA; older notation c.1766_1767delAA).
Protein change: p.Lys589fs; shifts the reading frame from lysine 589.
Molecular consequence: frameshift variant.
Genome position (GRCh38, 1-based): chr3:51,228,779-51,228,780, AA deleted; deleting any 2 consecutive bases within chr3:51,228,778-51,228,780 gives the same sequence; the c. name uses the placement nearest the transcript's 3' end. VCF-style (leftmost placement, unchanged base first): chr3-51228777-CAA-C. GRCh37 (hg19) VCF-style: chr3-51266208-CAA-C.
Other names: short protein forms K589fs.
Identifiers: ClinVar variation 3504409 (VCV003504409.1).

ClinVar aggregate classification (germline): Pathogenic (1 of 4 stars; one submission).

Conditions:
Inborn genetic diseases. Identifiers: MedGen C0950123, MeSH D030342.

Submission:

Ambry Genetics
Classification: Pathogenic for Inborn genetic diseases. Last evaluated: 2024-11-18. Review status: criteria provided, single submitter. Criteria: Ambry Variant Classification Scheme 2023. Collection method: clinical testing. Allele origin: germline.
Comment: The c.1766_1767delAA (p.K589Rfs*50) alteration, located in exon 18 (coding exon 18) of the DOCK3 gene, consists of a deletion of 2 nucleotides from position 1766 to 1767, causing a translational frameshift with a predicted alternate stop codon after 50 amino acids. This alteration is expected to result in loss of function by premature protein truncation or nonsense-mediated mRNA decay. This variant was not reported in population-based cohorts in the Genome Aggregation Database (gnomAD). Based on the available evidence, this alteration is classified as pathogenic.